The following is an entry in ClinVar:

ClinVar aggregate classification (germline): Uncertain significance. Review status: criteria provided, multiple submitters, no conflicts (2 of 4 stars). 3 submissions from 3 submitters: Uncertain significance (3). Last evaluated 2025-05-05.

Conditions:
Hereditary sensory and autonomic neuropathy type 6. Also called: HSAN VI; Neuropathy, hereditary sensory and autonomic, type VI. Identifiers: Orphanet 314381, MedGen C3539003, MONDO:0013839, OMIM 614653.
Epidermolysis bullosa simplex 3, localized or generalized intermediate, with BP230 deficiency (EBS3). Also called: Epidermolysis bullosa simplex, autosomal recessive 2; Epidermolysis bullosa simplex due to BP230 deficiency. Identifiers: Orphanet 412181, MedGen C3809470, MONDO:0014180, OMIM 615425.
Inborn genetic diseases. Identifiers: MedGen C0950123, MeSH D030342.

Allele frequency attached by ClinVar (database versions not stated): TOPMed 0.00002; gnomAD 0.00003; gnomAD exomes 0.00005; ExAC 0.00007.
gnomAD v4.1: 81 of 1,613,978 alleles (0.005%); highest among the groups gnomAD compares: Non-Finnish European, 0.0068%; no homozygotes.

Submissions (3):

Labcorp Genetics (formerly Invitae), Labcorp
Classification: Uncertain significance for Epidermolysis bullosa simplex 3, localized or generalized intermediate, with BP230 deficiency; Hereditary sensory and autonomic neuropathy type 6. Last evaluated: 2025-05-05. Review status: criteria provided, single submitter. Criteria: Invitae Variant Classification Sherloc (09022015). Collection method: clinical testing. Allele origin: germline.
Comment: This sequence change replaces valine, which is neutral and non-polar, with glycine, which is neutral and non-polar, at codon 308 of the DST protein (p.Val308Gly). This variant is present in population databases (rs776991432, gnomAD 0.009%). This variant has not been reported in the literature in individuals affected with DST-related conditions. ClinVar contains an entry for this variant (Variation ID: 541443). An algorithm developed to predict the effect of missense changes on protein structure and function (PolyPhen-2) suggests that this variant is likely to be disruptive. In summary, the available evidence is currently insufficient to determine the role of this variant in disease. Therefore, it has been classified as a Variant of Uncertain Significance.

CeGaT Center for Human Genetics Tuebingen
Classification: Uncertain significance. Last evaluated: 2023-08-01. Review status: criteria provided, single submitter. Criteria: CeGaT Center For Human Genetics Tuebingen Variant Classification Criteria Version 2. Collection method: clinical testing. Allele origin: germline. Affected: yes. Observed: 1 variant allele.
Comment: DST: PM2

Ambry Genetics
Classification: Uncertain significance for Inborn genetic diseases. Last evaluated: 2023-01-06. Review status: criteria provided, single submitter. Criteria: Ambry Variant Classification Scheme 2023. Collection method: clinical testing. Allele origin: germline.

NM_001374736.1(DST):c.2534T>G (p.Val845Gly)

Gene: DST (dystonin; minus strand). Cytogenetic location: 6p12.1.
Variant type: single nucleotide variant.
Coding change: c.2534T>G on transcript NM_001374736.1 (MANE Select); coding-DNA position 2534, T replaced by G.
Protein change: p.Val845Gly; replaces valine 845 with glycine.
Molecular consequence: missense variant.
Genome position (GRCh38, 1-based): chr6:56,640,014, A>C on the plus strand (T>G on the coding strand, the complement: DST is on the minus strand). VCF-style: chr6-56640014-A-C. GRCh37 (hg19) VCF-style: chr6-56504812-A-C.
Other names: c.2435T>G (NM_001144769.2); c.2435T>G, p.Val812Gly (NM_001144769.5); c.2021T>G, p.Val674Gly (NM_001144770.2); c.2534T>G, p.Val845Gly (NM_001374722.1); c.1901T>G, p.Val634Gly (NM_001374729.1, NM_001374730.1, NM_001386100.1 and 1 more transcripts); c.2561T>G, p.Val854Gly (NM_001374734.1); c.923T>G, p.Val308Gly (NM_001723.7, NM_015548.5); short protein forms V308G, V674G, V634G, V812G, V845G, V854G.
Identifiers: ClinVar variation 541443 (VCV000541443.36), dbSNP rs776991432, ClinGen allele CA3871396.